The following is an entry in ClinVar:

NM_177438.3(DICER1):c.2904T>G (p.Phe968Leu)

Gene: DICER1 (dicer 1, ribonuclease III; minus strand). Cytogenetic location: 14q32.13.
Variant type: single nucleotide variant.
Coding change: c.2904T>G on transcript NM_177438.3 (MANE Select); coding-DNA position 2904, T replaced by G.
Protein change: p.Phe968Leu; replaces phenylalanine 968 with leucine.
Molecular consequence: missense variant. On other transcripts: non-coding transcript variant (6).
Genome position (GRCh38, 1-based): chr14:95,106,124, A>C on the plus strand (T>G on the coding strand, the complement: DICER1 is on the minus strand). VCF-style: chr14-95106124-A-C. GRCh37 (hg19) VCF-style: chr14-95572461-A-C.
Other names: c.2904T>G, p.Phe968Leu (NM_001195573.1, NM_001271282.3, NM_001291628.2 and 13 more transcripts); c.2622T>G, p.Phe874Leu (NM_001395686.1); c.2499T>G, p.Phe833Leu (NM_001395687.1, NM_001395688.1, NM_001395689.1 and 2 more transcripts); c.2337T>G, p.Phe779Leu (NM_001395691.1); c.1221T>G, p.Phe407Leu (NM_001395697.1); short protein forms F407L, F779L, F833L, F874L, F968L.
Identifiers: ClinVar variation 1897141 (VCV001897141.6), dbSNP rs755199154, ClinGen allele CA390878988.
Genomic context (GRCh38, chr14:95,106,124, plus strand): 5'-CAGCAGTGGCTGGTTGAGATTGGTTAGGTCAAGGTTGTACTTTGTTTTATAATATTCTGC[A>C]AAAGTTTCATACTCAGGGGAAGGAAATTTACTGAGTGGGGTAAGATCAGTGTACACATCA-3'
Protein context (NP_803187.1, residues 958-978): SKFPSPEYET[Phe968Leu]AEYYKTKYNL

ClinVar aggregate classification (germline): Uncertain significance. Review status: criteria provided, multiple submitters, no conflicts (2 of 4 stars). 2 submissions from 2 submitters: Uncertain significance (2). Last evaluated 2025-12-21.

Conditions:
Hereditary cancer-predisposing syndrome. Also called: Tumor predisposition; Hereditary Cancer Syndrome; Hereditary neoplastic syndrome; Neoplastic Syndromes, Hereditary. Identifiers: Orphanet 140162, MedGen C0027672, MeSH D009386, MONDO:0015356.
DICER1-related tumor predisposition. Also called: DICER1-related pleuropulmonary blastoma cancer predisposition syndrome; DICER1 syndrome. Identifiers: Orphanet 284343, MedGen C3839822, MONDO:0100216.

Submissions (2):

Ambry Genetics
Classification: Uncertain significance for Hereditary cancer-predisposing syndrome. Last evaluated: 2025-12-21. Review status: criteria provided, single submitter. Criteria: Ambry Variant Classification Scheme 2023. Collection method: clinical testing. Allele origin: germline.
Comment: The p.F968L variant (also known as c.2904T>G), located in coding exon 17 of the DICER1 gene, results from a T to G substitution at nucleotide position 2904. The phenylalanine at codon 968 is replaced by leucine, an amino acid with highly similar properties. This amino acid position is conserved. In addition, the in silico prediction for this alteration is inconclusive. Based on the available evidence, the clinical significance of this variant remains unclear.

Labcorp Genetics (formerly Invitae), Labcorp
Classification: Uncertain significance for DICER1-related tumor predisposition. Last evaluated: 2022-01-17. Review status: criteria provided, single submitter. Criteria: Invitae Variant Classification Sherloc (09022015). Collection method: clinical testing. Allele origin: germline.
Comment: Algorithms developed to predict the effect of missense changes on protein structure and function are either unavailable or do not agree on the potential impact of this missense change (SIFT: "Deleterious"; PolyPhen-2: "Probably Damaging"; Align-GVGD: "Class C15"). This variant has not been reported in the literature in individuals affected with DICER1-related conditions. This variant is not present in population databases (gnomAD no frequency). This sequence change replaces phenylalanine, which is neutral and non-polar, with leucine, which is neutral and non-polar, at codon 968 of the DICER1 protein (p.Phe968Leu). In summary, the available evidence is currently insufficient to determine the role of this variant in disease. Therefore, it has been classified as a Variant of Uncertain Significance.